The following is an entry in ClinVar:

ClinVar aggregate classification (germline): Pathogenic/Likely pathogenic. Review status: criteria provided, multiple submitters, no conflicts (2 of 4 stars). 6 submissions from 6 submitters: Pathogenic (3); Likely pathogenic (2). 1 of the submissions does not count toward it. Last evaluated 2025-10-05.

Conditions:
Bruck syndrome 1 (BRKS1). Also called: ARTHROGRYPOSIS-LIKE DISORDER. Identifiers: Orphanet 1149, Orphanet 2771, MedGen C1850168, MONDO:0009806, OMIM 259450.
Osteogenesis imperfecta (OI). Identifiers: Orphanet 666, MedGen C0029434, MeSH D010013, MONDO:0019019.

Allele frequency attached by ClinVar (database versions not stated): gnomAD exomes 0.00001; ExAC 0.00002.

Submissions (6):

Clinical Biomedical Laboratory, Shriners Hospital For Children - Canada
Classification: Pathogenic for Bruck syndrome 1. Last evaluated: 2025-10-05. Review status: criteria provided, single submitter. Criteria: ACMG Guidelines, 2015. Collection method: clinical testing. Allele origin: germline. Affected: yes.
Comment: This variant is predicted to substitute an arginine residue by a glutamic acid residue. This variant is very rare in the Genome Aggregation Database (v2.1.1). This variant has been reported in the literature (PMID 26538303).

Labcorp Genetics (formerly Invitae), Labcorp
Classification: Pathogenic. Last evaluated: 2024-04-25. Review status: criteria provided, single submitter. Criteria: Invitae Variant Classification Sherloc (09022015). Collection method: clinical testing. Allele origin: germline.
Comment: This sequence change replaces arginine, which is basic and polar, with glutamine, which is neutral and polar, at codon 115 of the FKBP10 protein (p.Arg115Gln). This variant is present in population databases (rs387906960, gnomAD 0.003%). This missense change has been observed in individual(s) with osteogenesis imperfecta (PMID: 20839288, 26538303, 30715774). In at least one individual the data is consistent with being in trans (on the opposite chromosome) from a pathogenic variant. ClinVar contains an entry for this variant (Variation ID: 30634). Advanced modeling of protein sequence and biophysical properties (such as structural, functional, and spatial information, amino acid conservation, physicochemical variation, residue mobility, and thermodynamic stability) has been performed at Invitae for this missense variant, however the output from this modeling did not meet the statistical confidence thresholds required to predict the impact of this variant on FKBP10 protein function. For these reasons, this variant has been classified as Pathogenic.

Women's Health and Genetics/Laboratory Corporation of America, LabCorp
Classification: Pathogenic for Osteogenesis imperfecta. Last evaluated: 2022-07-07. Review status: criteria provided, single submitter. Criteria: LabCorp Variant Classification Summary - May 2015. Collection method: clinical testing. Allele origin: germline.
Comment: Variant summary: FKBP10 c.344G>A (p.Arg115Gln) results in a conservative amino acid change located in the FKBP-type peptidyl-prolyl cis-trans isomerase domain (IPR001179) of the encoded protein sequence. Four of five in-silico tools predict a damaging effect of the variant on protein function. The variant allele was found at a frequency of 1.2e-05 in 250756 control chromosomes. c.344G>A has been reported in the literature as a homozygous and compound heterozygous genotype in multiple individuals affected with autosomal recessive Osteogenesis Imperfecta (example, Umair_2016, Kelley_2011, Schwarze_2013). These data indicate that the variant is very likely to be associated with disease. To our knowledge, no experimental evidence demonstrating an impact on protein function has been reported. Two clinical diagnostic laboratories have submitted clinical-significance assessments for this variant to ClinVar after 2014 without evidence for independent evaluation. All laboratories classified the variant as pathogenic/likely pathogenic. Based on the evidence outlined above, the variant was classified as pathogenic.

Clinical Genetics Laboratory, Skane University Hospital Lund
Classification: Likely pathogenic. Last evaluated: 2022-05-27. Review status: criteria provided, single submitter. Criteria: ACMG Guidelines, 2015. Collection method: clinical testing. Allele origin: germline. Affected: yes.

3billion
Classification: Likely pathogenic for Bruck syndrome 1. Last evaluated: 2022-05-22. Review status: criteria provided, single submitter. Criteria: ACMG Guidelines, 2015. Collection method: clinical testing. Allele origin: germline. Affected: yes. Observed: 1 homozygote.
Comment: The variant is observed at an extremely low frequency in the gnomAD v2.1.1 dataset (total allele frequency: 0.001%). Protein truncation variants are a common disease-causing mechanism. In silico tool predictions suggest damaging effect of the variant on gene or gene product (REVEL: 0.90; 3Cnet: 0.76). Same nucleotide change resulting in same amino acid change has been previously reported to be associated with FKBP10- related disorder (ClinVar ID: VCV000030634 / PMID: 20839288). The variant has been reported to be in trans with a pathogenic variant as compound heterozygous in at least one similarly affected unrelated individual (PMID: 20839288). The variant has been reported to co-segregate with the disease in at least 3 similarly affected relatives/individuals in the same family or similarly affected unrelated family (PMID: 22949511, 26538303). Therefore, this variant is classified as likely pathogenic according to the recommendation of ACMG/AMP guideline.

OMIM
Classification: Pathogenic for BRUCK SYNDROME 1. Last evaluated: 2013-01-01. Review status: no assertion criteria provided. Collection method: literature only. Allele origin: germline. Not counted in ClinVar's aggregate classification.

Literature cited by the submitters: PubMed 26538303 (cited by 4 submitters); PubMed 20839288 (cited by 4 submitters); PubMed 30715774 (cited by Labcorp Genetics (formerly Invitae), Labcorp); PubMed 22949511 (cited by 3 submitters); PubMed 9481655 (cited by OMIM); PubMed 9927692 (cited by OMIM).

NM_021939.4(FKBP10):c.344G>A (p.Arg115Gln)

Gene: FKBP10 (FKBP prolyl isomerase 10; plus strand). Cytogenetic location: 17q21.2.
Variant type: single nucleotide variant.
Coding change: c.344G>A on transcript NM_021939.4 (MANE Select); coding-DNA position 344, G replaced by A.
Protein change: p.Arg115Gln; replaces arginine 115 with glutamine.
Molecular consequence: missense variant.
Genome position (GRCh38, 1-based): chr17:41,817,156, G>A. VCF-style: chr17-41817156-G-A. GRCh37 (hg19) VCF-style: chr17-39973408-G-A.
Other names: c.344G>A (NM_021939.3); short protein forms R115Q.
Identifiers: ClinVar variation 30634 (VCV000030634.10), dbSNP rs387906960, ClinGen allele CA129381.
Genomic context (GRCh38, chr17:41,817,156, plus strand): 5'-TGGGGCGCCTCATCACTGGCATGGACCGAGGCCTCATGGGCATGTGTGTCAACGAGCGGC[G>A]ACGCCTCATTGTGCCTCCCCACCTGGGCTATGGGAGCATCGGCCTGGGTGAGAAGGGCTG-3'
Protein context (NP_068758.3, residues 105-125): GLMGMCVNER[Arg115Gln]RLIVPPHLGY